The following is an entry in ClinVar:

NM_000702.4(ATP1A2):c.1097G>C (p.Gly366Ala)

Gene: ATP1A2 (ATPase Na+/K+ transporting subunit alpha 2; plus strand). Cytogenetic location: 1q23.2.
Variant type: single nucleotide variant.
Coding change: c.1097G>C on transcript NM_000702.4 (MANE Select); coding-DNA position 1097, G replaced by C.
Protein change: p.Gly366Ala; replaces glycine 366 with alanine.
Molecular consequence: missense variant.
Genome position (GRCh38, 1-based): chr1:160,128,731, G>C. VCF-style: chr1-160128731-G-C. GRCh37 (hg19) VCF-style: chr1-160098521-G-C.
Other names: short protein forms G366A.
Identifiers: ClinVar variation 373628 (VCV000373628.2), dbSNP rs1057518514, ClinGen allele CA16042297.

ClinVar aggregate classification (germline): Uncertain significance. Review status: criteria provided, single submitter (1 of 4 stars). 2 submissions from 2 submitters: Uncertain significance (1). 1 of the submissions does not count toward it. Last evaluated 2016-12-01.

Conditions:
Developmental and epileptic encephalopathy 98. Identifiers: MedGen C5562017, MONDO:0030472, OMIM 619605.

Submissions (2):

GeneDx
Classification: Uncertain significance. Last evaluated: 2016-12-01. Review status: criteria provided, single submitter. Criteria: GeneDx Variant Classification (06012015). Collection method: clinical testing. Allele origin: germline. Affected: yes.
Comment: A variant of uncertain significance has been identified in the ATP1A2 gene. The G366A variant has not been published as a pathogenic variant, nor has it been reported as a benign variant to our knowledge. The G366A variant is not observed in large population cohorts (Lek et al., 2016; 1000 Genomes Consortium et al., 2015; Exome Variant Server). This substitution occurs at a position that is conserved across species, and missense variants in nearby residues (V362E, T364M, T368K) have been reported in the Human Gene Mutation Database in association with hemiplegic migraine (Stenson et al., 2014), supporting the functional importance of this region of the protein. In silico analysis predicts this variant is probably damaging to the protein structure/function. However, the G366A variant is a conservative amino acid substitution, which is not likely to impact secondary protein structure as these residues share similar properties. Therefore, based on the currently available information, it is unclear whether this variant is a pathogenic variant or a rare benign variant.

OMIM
Classification: Pathogenic for DEVELOPMENTAL AND EPILEPTIC ENCEPHALOPATHY 98. Last evaluated: 2021-11-10. Review status: no assertion criteria provided. Collection method: literature only. Allele origin: germline. Not counted in ClinVar's aggregate classification.

Literature cited by the submitters: PubMed 33880529 (cited by OMIM).